The following is an entry in ClinVar:

ClinVar aggregate classification (germline): Uncertain significance (1 of 4 stars; one submission).

Conditions:
Hajdu-Cheney syndrome (HJCYS). Also called: Acroosteolysis dominant type; ACROOSTEOLYSIS WITH OSTEOPOROSIS AND CHANGES IN SKULL AND MANDIBLE; SERPENTINE FIBULA-POLYCYSTIC KIDNEY SYNDROME. Identifiers: Orphanet 955, MedGen C0917715, MONDO:0007057, OMIM 102500.

Submission:

Labcorp Genetics (formerly Invitae), Labcorp
Classification: Uncertain significance for Hajdu-Cheney syndrome. Last evaluated: 2025-08-09. Review status: criteria provided, single submitter. Criteria: Invitae Variant Classification Sherloc (09022015). Collection method: clinical testing. Allele origin: germline.
Comment: This sequence change replaces glycine, which is neutral and non-polar, with alanine, which is neutral and non-polar, at codon 1200 of the NOTCH2 protein (p.Gly1200Ala). This variant is not present in population databases (gnomAD no frequency). This variant has not been reported in the literature in individuals affected with NOTCH2-related conditions. Invitae Evidence Modeling of protein sequence and biophysical properties (such as structural, functional, and spatial information, amino acid conservation, physicochemical variation, residue mobility, and thermodynamic stability) has been performed for this missense variant. However, the output from this modeling did not meet the statistical confidence thresholds required to predict the impact of this variant on NOTCH2 protein function. In summary, the available evidence is currently insufficient to determine the role of this variant in disease. Therefore, it has been classified as a Variant of Uncertain Significance.

NM_024408.4(NOTCH2):c.3599G>C (p.Gly1200Ala)

Gene: NOTCH2 (notch receptor 2; minus strand). Cytogenetic location: 1p12.
Variant type: single nucleotide variant.
Coding change: c.3599G>C on transcript NM_024408.4 (MANE Select); coding-DNA position 3599, G replaced by C.
Protein change: p.Gly1200Ala; replaces glycine 1200 with alanine.
Molecular consequence: missense variant.
Genome position (GRCh38, 1-based): chr1:119,935,528, C>G on the plus strand (G>C on the coding strand, the complement: NOTCH2 is on the minus strand). VCF-style: chr1-119935528-C-G. GRCh37 (hg19) VCF-style: chr1-120478151-C-G.
Other names: c.3599G>C, p.Gly1200Ala (NM_001200001.2); short protein forms G1200A.
Identifiers: ClinVar variation 4742382 (VCV004742382.1).